The following is an entry in ClinVar:

NM_001128164.2(ATXN1):c.627TCAGCA[3] (p.Gln212_Gln213insHisGln)

Genes: ATXN1 (ataxin 1; minus strand), LOC108663993 (ataxin 1 repeat instability region; plus strand). Cytogenetic location: 6p22.3.
Variant type: Microsatellite.
Coding change: c.627TCAGCA[3] on transcript NM_001128164.2 (MANE Select); three copies in a row of the 6-base unit TCAGCA starting at c.627; the reference has two copies in a row; one copy, 6 bases duplicated.
Protein change: p.Gln212_Gln213insHisGln.
Molecular consequence: inframe indel (on NM_000332.3). On other transcripts: 3 prime UTR variant (1).
Genome position (GRCh38, 1-based): chr6:16,327,673-16,327,678, TGCTGA duplicated on the plus strand (TCAGCA on the coding strand, the reverse complement: ATXN1 is on the minus strand); duplicating any 6 consecutive bases within chr6:16,327,673-16,327,689 gives the same sequence; the position shown is the placement nearest the transcript's 3' end. VCF-style (leftmost placement, unchanged base first): chr6-16327672-C-CTGCTGA. GRCh37 (hg19) VCF-style: chr6-16327903-C-CTGCTGA.
Other names: c.633_638dup6 (NM_000332.3); c.622_627CAGCAT[3], p.Gln212_Gln213insHisGln (NM_000332.3); c.627TCAGCA[3], p.Gln212_Gln213insHisGln (NM_000332.4); c.*40TCAGCA[3] (NM_001357857.2).
Identifiers: ClinVar variation 3047562 (VCV003047562.4), dbSNP rs749872352, ClinGen allele CA3645556.

ClinVar aggregate classification (germline): Likely benign. Review status: criteria provided, single submitter (1 of 4 stars). 2 submissions from 2 submitters: Likely benign (1). 1 of the submissions does not count toward it. Last evaluated 2026-06-01.

Conditions:
ATXN1-related disorder. Also called: ATXN1-related condition.

Submissions (2):

CeGaT Center for Human Genetics Tuebingen
Classification: Likely benign. Last evaluated: 2026-06-01. Review status: criteria provided, single submitter. Criteria: CeGaT Center For Human Genetics Tuebingen Variant Classification Criteria Version 2. Collection method: clinical testing. Allele origin: germline. Affected: yes. Observed: 1 variant allele.
Comment: ATXN1: BS1

PreventionGenetics, part of Exact Sciences
Classification: Likely benign for ATXN1-related condition. Last evaluated: 2022-11-28. Review status: no assertion criteria provided. Collection method: clinical testing. Allele origin: germline. Not counted in ClinVar's aggregate classification.
Comment: This variant is classified as likely benign based on ACMG/AMP sequence variant interpretation guidelines (Richards et al. 2015 PMID: 25741868, with internal and published modifications).